The following is an entry in ClinVar:

ClinVar aggregate classification (germline): Likely pathogenic (1 of 4 stars; one submission).

Conditions:
Sitosterolemia (STSL). Also called: PHYTOSTEROLEMIA. Identifiers: Orphanet 2882, MedGen C0342907, MONDO:0008863.

Submission:

Labcorp Genetics (formerly Invitae), Labcorp
Classification: Likely pathogenic for Sitosterolemia. Last evaluated: 2019-06-18. Review status: criteria provided, single submitter. Criteria: Invitae Variant Classification Sherloc (09022015). Collection method: clinical testing. Allele origin: germline.
Comment: This variant is a deletion of the genomic region encompassing exons 6-10 and part of exon 11 and the insertion of 30 unrelated nucleotides (c.635-154_1587delins30) of the ABCG5 gene. It is expected to disrupt RNA splicing and likely results in an absent or disrupted protein product. This variant has not been reported in the literature in individuals with ABCG5-related conditions. Loss-of-function variants in ABCG5 are known to be pathogenic (PMID: 11138003, 25665839). In summary, the currently available evidence indicates that the variant is pathogenic, but additional data are needed to prove that conclusively. Therefore, this variant has been classified as Likely Pathogenic.

NM_022436.3(ABCG5):c.635-153_1588del

Genes: ABCG5 (ATP binding cassette subfamily G member 5; minus strand), DYNC2LI1 (dynein cytoplasmic 2 light intermediate chain 1; plus strand). Cytogenetic location: 2p21.
Variant type: Deletion.
Coding change: c.635-153_1588del on transcript NM_022436.3 (MANE Select); 153 bases into the intron before coding-DNA position 635 through coding-DNA position 1588, 6,699 bases deleted.
Molecular consequence: splice acceptor variant, splice donor variant. On other transcripts: intron variant (2).
Genome position (GRCh38, 1-based): chr2:43,819,976-43,826,674, 6,699 bases deleted. GRCh37 (hg19): chr2:44,047,117-44,053,815.
Other names: c.*16-7408_*16-710del (NM_001348913.2, NM_001348912.2).
Identifiers: ClinVar variation 943877 (VCV000943877.3), ClinGen allele CA1139656907.